The following is an entry in ClinVar:

ClinVar aggregate classification (germline): Benign. Review status: criteria provided, multiple submitters, no conflicts (2 of 4 stars). 4 submissions from 4 submitters: Benign (3). 1 of the submissions does not count toward it. Last evaluated 2024-01-24.

Conditions:
PDCD1-related disorder. Also called: PDCD1-related condition.

Allele frequency attached by ClinVar (database versions not stated): ESP Exome Variant Server 0.58636; TOPMed 0.59723; 1000 Genomes Project 30x 0.64491; 1000 Genomes Project 0.64796.
gnomAD v4.1: 968,333 of 1,612,824 alleles (60%); highest among the groups gnomAD compares: South Asian, 74%; 293,152 homozygotes.

Submissions (4):

Unidad de Genómica Garrahan, Hospital de Pediatría Garrahan
Classification: Benign. Last evaluated: 2024-01-24. Review status: criteria provided, single submitter. Criteria: ACMG Guidelines, 2015. Collection method: clinical testing. Allele origin: germline. Affected: no. Observed: 83 variant alleles.
Comment: This variant is classified as Benign based on local population frequency. This variant was detected in 87% of patients studied by a panel of primary immunodeficiencies. Number of patients: 83. Only high quality variants are reported.

GeneDx
Classification: Benign. Last evaluated: 2018-11-12. Review status: criteria provided, single submitter. Criteria: GeneDx Variant Classification Process June 2021. Collection method: clinical testing. Allele origin: germline. Affected: yes.

Breakthrough Genomics
Classification: Benign. Review status: criteria provided, single submitter. Criteria: ACMG Guidelines, 2015. Collection method: not provided. Allele origin: germline. Inheritance: Multifactorial inheritance. Affected: yes.

PreventionGenetics, part of Exact Sciences
Classification: Benign for PDCD1-related condition. Last evaluated: 2019-10-17. Review status: no assertion criteria provided. Collection method: clinical testing. Allele origin: germline. Not counted in ClinVar's aggregate classification.
Comment: This variant is classified as benign based on ACMG/AMP sequence variant interpretation guidelines (Richards et al. 2015 PMID: 25741868, with internal and published modifications).

NM_005018.3(PDCD1):c.804T>C (p.Ala268=)

Gene: PDCD1 (programmed cell death 1; minus strand). Cytogenetic location: 2q37.3.
Variant type: single nucleotide variant.
Coding change: c.804T>C on transcript NM_005018.3 (MANE Select); coding-DNA position 804, T replaced by C.
Protein change: p.Ala268=; no amino-acid change (alanine 268 retained).
Molecular consequence: synonymous variant.
Genome position (GRCh38, 1-based): chr2:241,851,121, A>G on the plus strand (T>C on the coding strand, the complement: PDCD1 is on the minus strand). VCF-style: chr2-241851121-A-G. GRCh37 (hg19) VCF-style: chr2-242793273-A-G.
Identifiers: ClinVar variation 1226460 (VCV001226460.8), dbSNP rs2227981, ClinGen allele CA2223220.
Genomic context (GRCh38, chr2:241,851,121, plus strand): 5'-GAGGGGCCAAGAGCAGTGTCCATCCTCAGGCCTCAGTGGCTGGGCACTCCGAGGGCCGTC[A>G]GCTGAGCCCCTGCGGGCGGGGGATGAGGTGCCCATTCCGCTAGGAAAGACAATGGTGGCA-3'
Protein context (NP_005009.2, residues 258-278): GTSSPARRGS[Ala268=]DGPRSAQPLR